The following is an entry in ClinVar:

ClinVar aggregate classification (germline): Uncertain significance (1 of 4 stars; one submission).

Allele frequency attached by ClinVar (database versions not stated): TOPMed below 0.00001; gnomAD 0.00001; ExAC 0.00003.

Submission:

Labcorp Genetics (formerly Invitae), Labcorp
Classification: Uncertain significance. Last evaluated: 2024-06-03. Review status: criteria provided, single submitter. Criteria: Invitae Variant Classification Sherloc (09022015). Collection method: clinical testing. Allele origin: germline.
Comment: This sequence change replaces methionine, which is neutral and non-polar, with threonine, which is neutral and polar, at codon 121 of the GNPTG protein (p.Met121Thr). This variant is present in population databases (rs747291812, gnomAD 0.01%). This variant has not been reported in the literature in individuals affected with GNPTG-related conditions. ClinVar contains an entry for this variant (Variation ID: 1960139). Advanced modeling of protein sequence and biophysical properties (such as structural, functional, and spatial information, amino acid conservation, physicochemical variation, residue mobility, and thermodynamic stability) performed at Invitae indicates that this missense variant is expected to disrupt GNPTG protein function with a positive predictive value of 80%. In summary, the available evidence is currently insufficient to determine the role of this variant in disease. Therefore, it has been classified as a Variant of Uncertain Significance.

NM_032520.5(GNPTG):c.362T>C (p.Met121Thr)

Gene: GNPTG (N-acetylglucosamine-1-phosphate transferase subunit gamma; plus strand). Cytogenetic location: 16p13.3.
Variant type: single nucleotide variant.
Coding change: c.362T>C on transcript NM_032520.5 (MANE Select); coding-DNA position 362, T replaced by C.
Protein change: p.Met121Thr; replaces methionine 121 with threonine.
Molecular consequence: missense variant.
Genome position (GRCh38, 1-based): chr16:1,362,082, T>C. VCF-style: chr16-1362082-T-C. GRCh37 (hg19) VCF-style: chr16-1412083-T-C.
Other names: short protein forms M121T.
Identifiers: ClinVar variation 1960139 (VCV001960139.5), dbSNP rs747291812, ClinGen allele CA7807651.